The following is an entry in ClinVar:

NM_000260.4(MYO7A):c.510G>A (p.Leu170=)

Gene: MYO7A (myosin VIIA; plus strand). Cytogenetic location: 11q13.5.
Variant type: single nucleotide variant.
Coding change: c.510G>A on transcript NM_000260.4 (MANE Select); coding-DNA position 510, G replaced by A.
Protein change: p.Leu170=; no amino-acid change (leucine 170 retained).
Molecular consequence: synonymous variant.
Genome position (GRCh38, 1-based): chr11:77,156,699, G>A. VCF-style: chr11-77156699-G-A. GRCh37 (hg19) VCF-style: chr11-76867745-G-A.
Other names: c.510G>A, p.Leu170= (NM_001127180.2); c.477G>A, p.Leu159= (NM_001369365.1).
Identifiers: ClinVar variation 43272 (VCV000043272.55), dbSNP rs34477144, ClinGen allele CA132371.

ClinVar aggregate classification (germline): Conflicting classifications of pathogenicity. Review status: criteria provided, conflicting classifications (1 of 4 stars). 13 submissions from 11 submitters: Uncertain significance (2); Benign (2); Likely benign (5). 4 of the submissions do not count toward it. Last evaluated 2026-09-01.

Conditions:
MYO7A-related disorder. Also called: MYO7A-related disorders.
Usher syndrome type 1 (USH1). Also called: RETINITIS PIGMENTOSA AND CONGENITAL DEAFNESS. Identifiers: Orphanet 231169, Orphanet 886, MedGen C1568247, MONDO:0010168, OMIM 276900.
Autosomal recessive nonsyndromic hearing loss 2. Also called: DEAFNESS, AUTOSOMAL RECESSIVE 2; NEUROSENSORY NONSYNDROMIC RECESSIVE DEAFNESS 2. Identifiers: Orphanet 90636, MedGen C1838701, MONDO:0010807, OMIM 600060.
Usher syndrome type 1B (USH1B). Also called: Usher syndrome type IB. Identifiers: MedGen C1848638, MONDO:0700087.
Autosomal dominant nonsyndromic hearing loss 11. Identifiers: Orphanet 90635, MedGen C1832475, MONDO:0011032, OMIM 601317.

Allele frequency attached by ClinVar (database versions not stated): gnomAD 0.00150 and 0.00138; ESP Exome Variant Server 0.00181; gnomAD exomes 0.00266 and 0.00170; 1000 Genomes Project 0.00100; ExAC 0.00253; 1000 Genomes Project 30x 0.00125; TOPMed 0.00178.
gnomAD v4.1: 2,828 of 1,614,014 alleles (0.18%); highest among the groups gnomAD compares: Middle Eastern, 3.5%; 23 homozygotes.

Submissions (13):

CeGaT Center for Human Genetics Tuebingen
Classification: Likely benign. Last evaluated: 2026-09-01. Review status: criteria provided, single submitter. Criteria: CeGaT Center For Human Genetics Tuebingen Variant Classification Criteria Version 2. Collection method: clinical testing. Allele origin: germline. Affected: yes. Observed: 7 variant alleles.
Comment: MYO7A: BP4, BP7

Labcorp Genetics (formerly Invitae), Labcorp
Classification: Benign. Last evaluated: 2026-02-04. Review status: criteria provided, single submitter. Criteria: Invitae Variant Classification Sherloc (09022015). Collection method: clinical testing. Allele origin: germline.

Genome-Nilou Lab
Classification: Likely benign for Usher syndrome type 1. Last evaluated: 2021-05-18. Review status: criteria provided, single submitter. Criteria: ACMG Guidelines, 2015. Collection method: clinical testing. Allele origin: germline. Affected: no.

GeneDx
Classification: Likely benign. Last evaluated: 2018-03-23. Review status: criteria provided, single submitter. Criteria: GeneDx Variant Classification (06012015). Collection method: clinical testing. Allele origin: germline. Affected: yes.
Comment: This variant is considered likely benign or benign based on one or more of the following criteria: it is a conservative change, it occurs at a poorly conserved position in the protein, it is predicted to be benign by multiple in silico algorithms, and/or has population frequency not consistent with disease.

Illumina Laboratory Services, Illumina
Classification: Likely benign for Autosomal dominant nonsyndromic hearing loss 11. Last evaluated: 2018-01-13. Review status: criteria provided, single submitter. Criteria: ICSL Variant Classification Criteria 13 December 2019. Collection method: clinical testing. Allele origin: germline.
Comment: This variant was observed in the ICSL laboratory as part of a predisposition screen in an ostensibly healthy population. It had not been previously curated by ICSL or reported in the Human Gene Mutation Database (HGMD: prior to June 1st, 2018), and was therefore a candidate for classification through an automated scoring system. Utilizing variant allele frequency, disease prevalence and penetrance estimates, and inheritance mode, an automated score was calculated to assess if this variant is too frequent to cause the disease. Based on the score and internal cut-off values, a variant classified as likely benign is not then subjected to further curation. The score for this variant resulted in a classification of likely benign for this disease.

Illumina Laboratory Services, Illumina
Classification: Uncertain significance for Autosomal recessive nonsyndromic hearing loss 2. Last evaluated: 2018-01-13. Review status: criteria provided, single submitter. Criteria: ICSL Variant Classification Criteria 13 December 2019. Collection method: clinical testing. Allele origin: germline.

Illumina Laboratory Services, Illumina
Classification: Uncertain significance for Usher syndrome type 1. Last evaluated: 2018-01-13. Review status: criteria provided, single submitter. Criteria: ICSL Variant Classification Criteria 13 December 2019. Collection method: clinical testing. Allele origin: germline.

Eurofins Ntd Llc (ga)
Classification: Likely benign. Last evaluated: 2016-03-24. Review status: criteria provided, single submitter. Criteria: EGL Classification Definitions 2015. Collection method: clinical testing. Allele origin: germline. Observed: 1 variant allele.

Laboratory for Molecular Medicine, Mass General Brigham Personalized Medicine
Classification: Benign. Last evaluated: 2013-10-17. Review status: criteria provided, single submitter. Criteria: LMM Criteria. Collection method: clinical testing. Allele origin: germline. Observed: 22 variant alleles.
Comment: Leu170Leu in exon 6 of MYO7A: This variant is not expected to have clinical sign ificance because it does not alter an amino acid residue, is not located within the splice consensus sequence and has been identified in 0.3% (23/8444) of Europ ean American chromosomes in a broad population by the NHLBI Exome sequencing pro ject (dbSNP rs34477144) and was reported in 2 /664 (0.3%) of control chromosomes (Roux 2006).

Natera, Inc.
Classification: Benign for Usher syndrome type 1B. Last evaluated: 2019-12-06. Review status: no assertion criteria provided. Collection method: clinical testing. Allele origin: germline. Not counted in ClinVar's aggregate classification.

PreventionGenetics, part of Exact Sciences
Classification: Benign for MYO7A-related condition. Last evaluated: 2019-11-11. Review status: no assertion criteria provided. Collection method: clinical testing. Allele origin: germline. Not counted in ClinVar's aggregate classification.
Comment: This variant is classified as benign based on ACMG/AMP sequence variant interpretation guidelines (Richards et al. 2015 PMID: 25741868, with internal and published modifications).

Clinical Genetics DNA and cytogenetics Diagnostics Lab, Erasmus MC, Erasmus Medical Center
Classification: Likely benign. Review status: no assertion criteria provided. Collection method: clinical testing. Allele origin: germline. Affected: yes. Study: VKGL Data-share Consensus. Not counted in ClinVar's aggregate classification.

Clinical Genetics, Academic Medical Center
Classification: Benign. Review status: no assertion criteria provided. Collection method: clinical testing. Allele origin: germline. Affected: yes. Study: VKGL Data-share Consensus. Not counted in ClinVar's aggregate classification.

Literature cited by the submitters: PubMed 16679490 (cited by Laboratory for Molecular Medicine, Mass General Brigham Personalized Medicine).